The following is an entry in ClinVar:

ClinVar aggregate classification (germline): Uncertain significance (1 of 4 stars; one submission).

Allele frequency attached by ClinVar (database versions not stated): ExAC 0.00002; gnomAD 0.00002 and 0.00003; gnomAD exomes 0.00002; TOPMed 0.00002; 1000 Genomes Project 0.00020; 1000 Genomes Project 30x 0.00031.
gnomAD v4.1: 95 of 1,612,274 alleles (0.0059%); highest among the groups gnomAD compares: Non-Finnish European, 0.0075%; no homozygotes.

Submission:

GeneDx
Classification: Uncertain significance. Last evaluated: 2017-05-13. Review status: criteria provided, single submitter. Criteria: GeneDx Variant Classification (06012015). Collection method: clinical testing. Allele origin: germline. Affected: yes.
Comment: The R2188W variant in the TRIOBP gene has not been reported previously as a pathogenic variant, nor as a benign variant, to our knowledge. The R2188W variant is not observed at a significant frequency in large population cohorts (Lek et al., 2016; 1000 Genomes Consortium et al., 2015; Exome Variant Server). The R2188W variant is a non-conservative amino acid substitution, which is likely to impact secondary protein structure as these residues differ in polarity, charge, size and/or other properties. This substitution occurs at a position that is conserved in mammals. In silico analysis predicts this variant is probably damaging to the protein structure/function. We interpret R2188W as a variant of uncertain significance.

NM_001039141.3(TRIOBP):c.6562C>T (p.Arg2188Trp)

Gene: TRIOBP (TRIO and F-actin binding protein; plus strand). Cytogenetic location: 22q13.1.
Variant type: single nucleotide variant.
Coding change: c.6562C>T on transcript NM_001039141.3 (MANE Select); coding-DNA position 6562, C replaced by T.
Protein change: p.Arg2188Trp; replaces arginine 2188 with tryptophan.
Molecular consequence: missense variant.
Genome position (GRCh38, 1-based): chr22:37,768,163, C>T. VCF-style: chr22-37768163-C-T. GRCh37 (hg19) VCF-style: chr22-38164170-C-T.
Other names: c.1423C>T, p.Arg475Trp (NM_007032.5); short protein forms R2188W, R475W.
Identifiers: ClinVar variation 430137 (VCV000430137.2), dbSNP rs555062092, ClinGen allele CA10225092.